The following is an entry in ClinVar:

NC_000002.12:g.121530954_121530955insT

Genes: CLASP1 (cytoplasmic linker associated protein 1; minus strand), CLASP1-AS1 (CLASP1 antisense RNA 1; plus strand), RNU4ATAC (RNA, U4atac small nuclear; plus strand). Cytogenetic location: 2q14.2.
Variant type: Insertion.
Molecular consequence: intron variant (on NM_001395891.1).
Genome position: GRCh38 VCF-style: chr2-121530954-A-AT. GRCh37 (hg19) VCF-style: chr2-122288530-A-AT.
Other names: c.196-630_196-629insA (NM_001378005.1, NM_001142274.2, NM_015282.3 and 5 more transcripts).
Identifiers: ClinVar variation 2121844 (VCV002121844.2), dbSNP rs2094799004, ClinGen allele CA1035743476.

ClinVar aggregate classification (germline): Uncertain significance (1 of 4 stars; one submission).

Allele frequency attached by ClinVar (database versions not stated): gnomAD 0.00001; gnomAD exomes 0.00001; TOPMed 0.00001.

Submission:

Labcorp Genetics (formerly Invitae), Labcorp
Classification: Uncertain significance. Last evaluated: 2022-12-06. Review status: criteria provided, single submitter. Criteria: Invitae Variant Classification Sherloc (09022015). Collection method: clinical testing. Allele origin: germline.
Comment: In summary, the available evidence is currently insufficient to determine the role of this variant in disease. Therefore, it has been classified as a Variant of Uncertain Significance. Experimental studies and prediction algorithms are not available or were not evaluated, and the functional significance of this variant is currently unknown. This variant has not been reported in the literature in individuals affected with RNU4ATAC-related conditions. This variant is not present in population databases (gnomAD no frequency). This variant occurs in the RNU4ATAC gene, which encodes an RNA molecule that does not result in a protein product.